The following is an entry in ClinVar:

NM_013432.5(TONSL):c.1370G>A (p.Arg457Gln)

Gene: TONSL (tonsoku like, DNA repair protein; minus strand). Cytogenetic location: 8q24.3.
Variant type: single nucleotide variant.
Coding change: c.1370G>A on transcript NM_013432.5 (MANE Select); coding-DNA position 1370, G replaced by A.
Protein change: p.Arg457Gln; replaces arginine 457 with glutamine.
Molecular consequence: missense variant.
Genome position (GRCh38, 1-based): chr8:144,440,131, C>T on the plus strand (G>A on the coding strand, the complement: TONSL is on the minus strand). VCF-style: chr8-144440131-C-T. GRCh37 (hg19) VCF-style: chr8-145665514-C-T.
Other names: c.1370G>A (NM_013432.4); short protein forms R457Q.
Identifiers: ClinVar variation 2190889 (VCV002190889.2), dbSNP rs772361735, ClinGen allele CA4943271.
Genomic context (GRCh38, chr8:144,440,131, plus strand): 5'-GTGGCTGCCGCCTCCTCCGCCTCCTCCTCCTCATCTTCATCTTCAGCTACACTGAGCTCC[C>T]GTAGTCTGGTTTCGGTCTCAGGGGCCTCCTGGGGCTGCAGCCTCAGCTGCACGGTATGGA-3'
Protein context (NP_038460.4, residues 447-467): QEAPETETRL[Arg457Gln]ELSVAEDEDE

ClinVar aggregate classification (germline): Conflicting classifications of pathogenicity. Review status: criteria provided, conflicting classifications (1 of 4 stars). 2 submissions from 2 submitters: Uncertain significance (1); Likely benign (1). Last evaluated 2024-01-16.

Conditions:
Inborn genetic diseases. Identifiers: MedGen C0950123, MeSH D030342.

Allele frequency attached by ClinVar (database versions not stated): gnomAD 0.00007.

Submissions (2):

Ambry Genetics
Classification: Likely benign for Inborn genetic diseases. Last evaluated: 2024-01-16. Review status: criteria provided, single submitter. Criteria: Ambry Variant Classification Scheme 2023. Collection method: clinical testing. Allele origin: germline.

Labcorp Genetics (formerly Invitae), Labcorp
Classification: Uncertain significance. Last evaluated: 2021-08-31. Review status: criteria provided, single submitter. Criteria: Invitae Variant Classification Sherloc (09022015). Collection method: clinical testing. Allele origin: germline.
Comment: This sequence change replaces arginine with glutamine at codon 457 of the TONSL protein (p.Arg457Gln). The arginine residue is weakly conserved and there is a small physicochemical difference between arginine and glutamine. This variant is present in population databases (rs772361735, ExAC 0.01%). This variant has not been reported in the literature in individuals affected with TONSL-related conditions. Algorithms developed to predict the effect of missense changes on protein structure and function output the following: SIFT: "Tolerated"; PolyPhen-2: "Benign"; Align-GVGD: "Class C0". The glutamine amino acid residue is found in multiple mammalian species, which suggests that this missense change does not adversely affect protein function. In summary, the available evidence is currently insufficient to determine the role of this variant in disease. Therefore, it has been classified as a Variant of Uncertain Significance.